The following is an entry in ClinVar:

NM_001129.5(AEBP1):c.1955G>A (p.Arg652His)

Gene: AEBP1 (AE binding protein 1; plus strand). Cytogenetic location: 7p13.
Variant type: single nucleotide variant.
Coding change: c.1955G>A on transcript NM_001129.5 (MANE Select); coding-DNA position 1955, G replaced by A.
Protein change: p.Arg652His; replaces arginine 652 with histidine.
Molecular consequence: missense variant.
Genome position (GRCh38, 1-based): chr7:44,111,968, G>A. VCF-style: chr7-44111968-G-A. GRCh37 (hg19) VCF-style: chr7-44151567-G-A.
Other names: short protein forms R652H.
Identifiers: ClinVar variation 1979283 (VCV001979283.4), dbSNP rs781523805, ClinGen allele CA4238063.

ClinVar aggregate classification (germline): Uncertain significance (1 of 4 stars; one submission).

Allele frequency attached by ClinVar (database versions not stated): gnomAD exomes below 0.00001; ExAC 0.00001; gnomAD 0.00001; TOPMed 0.00001.
gnomAD v4.1: 6 of 1,613,734 alleles (0.00037%); highest among the groups gnomAD compares: Non-Finnish European, 0.00042%; no homozygotes.

Submission:

Labcorp Genetics (formerly Invitae), Labcorp
Classification: Uncertain significance. Last evaluated: 2022-07-22. Review status: criteria provided, single submitter. Criteria: Invitae Variant Classification Sherloc (09022015). Collection method: clinical testing. Allele origin: germline.
Comment: This sequence change replaces arginine, which is basic and polar, with histidine, which is basic and polar, at codon 652 of the AEBP1 protein (p.Arg652His). In summary, the available evidence is currently insufficient to determine the role of this variant in disease. Therefore, it has been classified as a Variant of Uncertain Significance. Algorithms developed to predict the effect of missense changes on protein structure and function are either unavailable or do not agree on the potential impact of this missense change (SIFT: "Deleterious"; PolyPhen-2: "Probably Damaging"; Align-GVGD: "Class C0"). This variant has not been reported in the literature in individuals affected with AEBP1-related conditions. This variant is present in population databases (rs781523805, gnomAD 0.0009%).